The following is an entry in ClinVar:

ClinVar aggregate classification (germline): Uncertain significance (1 of 4 stars; one submission).

Conditions:
Dilated cardiomyopathy 1G (CMD1G). Identifiers: Orphanet 154, MedGen C1858763, MONDO:0011400, OMIM 604145.
Autosomal recessive limb-girdle muscular dystrophy type 2J (LGMDR10). Also called: Limb-girdle muscular dystrophy, type 2J; MUSCULAR DYSTROPHY, LIMB-GIRDLE, AUTOSOMAL RECESSIVE 10. Identifiers: Orphanet 140922, MedGen C1837342, MONDO:0012127, OMIM 608807.

gnomAD v4.1: 1 of 1,613,892 alleles (0.000062%); highest among the groups gnomAD compares: Non-Finnish European, 0.000085%; no homozygotes.

Submission:

Labcorp Genetics (formerly Invitae), Labcorp
Classification: Uncertain significance for Dilated cardiomyopathy 1G; Autosomal recessive limb-girdle muscular dystrophy type 2J. Last evaluated: 2025-12-14. Review status: criteria provided, single submitter. Criteria: Invitae Variant Classification Sherloc (09022015). Collection method: clinical testing. Allele origin: germline.
Comment: This sequence change replaces valine, which is neutral and non-polar, with alanine, which is neutral and non-polar, at codon 34146 of the TTN protein (p.Val34146Ala). This variant is not present in population databases (gnomAD no frequency). This variant has not been reported in the literature in individuals affected with TTN-related conditions. ClinVar contains an entry for this variant (Variation ID: 871691). Experimental studies and prediction algorithms are not available or were not evaluated, and the functional significance of this variant is currently unknown. This variant is located in the M band of TTN (PMID: 25589632). Non-truncating variants in this region may be relevant for neuromuscular disorders, but have not been definitively shown to cause cardiomyopathy (PMID: 23975875). In summary, the available evidence is currently insufficient to determine the role of this variant in disease. Therefore, it has been classified as a Variant of Uncertain Significance.

Literature cited by the submitters: PubMed 25589632; PubMed 23975875.

NM_001267550.2(TTN):c.102437T>C (p.Val34146Ala)

Genes: TTN-AS1 (TTN antisense RNA 1; plus strand), TTN (titin; minus strand). Cytogenetic location: 2q31.2.
Variant type: single nucleotide variant.
Coding change: c.102437T>C on transcript NM_001267550.2 (MANE Select); coding-DNA position 102437, T replaced by C.
Protein change: p.Val34146Ala; replaces valine 34146 with alanine.
Molecular consequence: missense variant.
Genome position (GRCh38, 1-based): chr2:178,534,178, A>G on the plus strand (T>C on the coding strand, the complement: TTN is on the minus strand). VCF-style: chr2-178534178-A-G. GRCh37 (hg19) VCF-style: chr2-179398905-A-G.
Other names: c.97514T>C, p.Val32505Ala (NM_001256850.1); c.75242T>C, p.Val25081Ala (NM_003319.4); c.94733T>C, p.Val31578Ala (NM_133378.4); c.75617T>C, p.Val25206Ala (NM_133432.3); c.75818T>C, p.Val25273Ala (NM_133437.4); short protein forms V25081A, V25206A, V31578A, V34146A, V25273A, V32505A.
Identifiers: ClinVar variation 871691 (VCV000871691.18), dbSNP rs1690411709, ClinGen allele CA349417541.